The following is an entry in ClinVar:

ClinVar aggregate classification (germline): Pathogenic. Review status: criteria provided, multiple submitters, no conflicts (2 of 4 stars). 5 submissions from 5 submitters: Pathogenic (4). 1 of the submissions does not count toward it. Last evaluated 2026-01-14.

Conditions:
CHD7-related disorder. Also called: CHD7-related condition.
CHD7-related CHARGE syndrome. Identifiers: MedGen CN380413, MONDO:1010178, OMIM 214800.
CHARGE syndrome (CHARGE). Also called: Hittner Hirsch Kreh syndrome; Coloboma, heart anomaly, choanal atresia, retardation, genital and ear anomalies; CHARGE association; Hall-Hittner syndrome; CHARGE ASSOCIATION--COLOBOMA, HEART ANOMALY, CHOANAL ATRESIA, RETARDATION, GENITAL AND EAR ANOMALIES. Identifiers: Orphanet 138, MedGen C0265354, MONDO:0008965.

Submissions (5):

3billion
Classification: Pathogenic for CHD7-related CHARGE syndrome. Last evaluated: 2026-01-14. Review status: criteria provided, single submitter. Criteria: ACMG Guidelines, 2015. Collection method: clinical testing. Allele origin: germline. Affected: yes.
Comment: The variant is not observed in the gnomAD v4.1.0 dataset. Predicted Consequence/Location: Missense variant In silico tool predictions suggest damaging effect of the variant on gene or gene product [REVEL: 0.91 (>=0.6, sensitivity 0.68 and specificity 0.92)]. The same nucleotide change resulting in the same amino acid change has been previously reported as pathogenic/likely pathogenic with strong evidence (ClinVar ID: VCV000002032 /PMID: 18074359). The variant has been observed in at least two similarly affected unrelated individuals (PMID: 18074359). Different missense changes at the same codon (p.Gly2108Glu, p.Gly2108Trp) have been reported to be associated with CHD7-related disorder (ClinVar ID: VCV003345880 /PMID: 25818041, 38544359 /3billion dataset). Therefore, this variant is classified as Pathogenic according to the recommendation of ACMG/AMP guideline.

PreventionGenetics, part of Exact Sciences
Classification: Pathogenic for CHD7-related condition. Last evaluated: 2025-11-14. Review status: criteria provided, single submitter. Criteria: ACMG Guidelines, 2015. Collection method: clinical testing. Allele origin: germline.
Comment: The CHD7 c.6322G>A variant is predicted to result in the amino acid substitution p.Gly2108Arg. This variant has been reported as segregating with disease in two separate kindreds with mild CHARGE syndrome (Jongmans et al. 2008. PubMed ID: 18074359). This variant has also been reported as de novo in an individual with CHARGE syndrome (Butcher et al. 2017. PubMed ID: 28475860). This variant is absent in a large population database (gnomAD), indicating this variant is rare. This variant has been classified as pathogenic and likely pathogenic in ClinVar (Variation ID: 2032). Given the evidence, we interpret this variant as pathogenic.

Labcorp Genetics (formerly Invitae), Labcorp
Classification: Pathogenic for CHARGE syndrome. Last evaluated: 2025-11-03. Review status: criteria provided, single submitter. Criteria: Invitae Variant Classification Sherloc (09022015). Collection method: clinical testing. Allele origin: germline.
Comment: This sequence change replaces glycine, which is neutral and non-polar, with arginine, which is basic and polar, at codon 2108 of the CHD7 protein (p.Gly2108Arg). This variant is not present in population databases (gnomAD no frequency). This missense change has been observed in individuals with CHARGE syndrome (PMID: 18074359). It has also been observed to segregate with disease in related individuals. ClinVar contains an entry for this variant (Variation ID: 2032). Invitae Evidence Modeling of protein sequence and biophysical properties (such as structural, functional, and spatial information, amino acid conservation, physicochemical variation, residue mobility, and thermodynamic stability) indicates that this missense variant is expected to disrupt CHD7 protein function with a positive predictive value of 95%. For these reasons, this variant has been classified as Pathogenic.

GeneDx
Classification: Pathogenic. Last evaluated: 2025-04-16. Review status: criteria provided, single submitter. Criteria: GeneDx Variant Classification Process June 2021. Collection method: clinical testing. Allele origin: germline.
Comment: Identified in a patients with CHARGE syndrome and/or mild CHARGE syndrome in published literature (PMID: 22399515, 18074359); Not observed at significant frequency in large population cohorts (gnomAD); In silico analysis supports that this missense variant has a deleterious effect on protein structure/function; This variant is associated with the following publications: (PMID: 20453063, 22399515, 22539353, 35904121, 28475860, 18074359, 37254944)

OMIM
Classification: Pathogenic for CHARGE SYNDROME. Last evaluated: 2008-01-01. Review status: no assertion criteria provided. Collection method: literature only. Allele origin: germline. Not counted in ClinVar's aggregate classification.

Literature cited by the submitters: PubMed 18074359 (cited by 3 submitters); PubMed 25818041 (cited by 3billion).

NM_017780.4(CHD7):c.6322G>A (p.Gly2108Arg)

Gene: CHD7 (chromodomain helicase DNA binding protein 7; plus strand). Cytogenetic location: 8q12.2.
Variant type: single nucleotide variant.
Coding change: c.6322G>A on transcript NM_017780.4 (MANE Select); coding-DNA position 6322, G replaced by A.
Protein change: p.Gly2108Arg; replaces glycine 2108 with arginine.
Molecular consequence: missense variant. On other transcripts: intron variant (1).
Genome position (GRCh38, 1-based): chr8:60,853,047, G>A. VCF-style: chr8-60853047-G-A. GRCh37 (hg19) VCF-style: chr8-61765606-G-A.
Other names: c.1717-9182G>A (NM_001316690.1); c.6322G>A (NM_017780.2, NM_017780.3); short protein forms G2108R.
Identifiers: ClinVar variation 2032 (VCV000002032.7), dbSNP rs121434343, ClinGen allele CA252062.